The following is an entry in ClinVar:

NM_000038.6(APC):c.8222del (p.Gly2741fs)

Gene: APC (APC regulator of Wnt signaling pathway; plus strand). Cytogenetic location: 5q22.2.
Variant type: Deletion.
Coding change: c.8222del on transcript NM_000038.6 (MANE Select); coding-DNA position 8222, one base deleted (G; older notation c.8222delG).
Protein change: p.Gly2741fs; shifts the reading frame from glycine 2741.
Molecular consequence: frameshift variant. On other transcripts: non-coding transcript variant (2).
Genome position (GRCh38, 1-based): chr5:112,843,816, G deleted; the last of 2 consecutive G bases (chr5:112,843,815-112,843,816); deleting either gives the same sequence. VCF-style (leftmost placement, unchanged base first): chr5-112843814-AG-A. GRCh37 (hg19) VCF-style: chr5-112179511-AG-A.
Other names: c.8222del, p.Gly2741fs (NM_001127510.3, NM_001354895.2, NM_001407450.1); c.8168del, p.Gly2723fs (NM_001127511.3); c.8276del, p.Gly2759fs (NM_001354896.2, NM_001407447.1, NM_001407448.1 and 1 more transcripts); c.8252del, p.Gly2751fs (NM_001354897.2); c.8147del, p.Gly2716fs (NM_001354898.2); c.8138del, p.Gly2713fs (NM_001354899.2); c.8099del, p.Gly2700fs (NM_001354900.2); c.8045del, p.Gly2682fs (NM_001354901.2, NM_001407453.1); and 11 more; short protein forms G2357fs, G2458fs, G2581fs, G2612fs, G2615fs, G2640fs, G2650fs, G2658fs.
Identifiers: ClinVar variation 2673905 (VCV002673905.1), dbSNP rs2533853059, ClinGen allele CA2695198717.

ClinVar aggregate classification (germline): Likely pathogenic (1 of 4 stars; one submission).

Conditions:
Familial adenomatous polyposis 1 (FAP1). Also called: FAMILIAL ADENOMATOUS POLYPOSIS 1, ATTENUATED; POLYPOSIS, ADENOMATOUS INTESTINAL. Identifiers: MedGen C2713442, MONDO:0021056, OMIM 175100. Disease mechanism: loss of function.

Submission:

Myriad Genetics, Inc.
Classification: Likely pathogenic for Familial adenomatous polyposis 1. Last evaluated: 2023-11-20. Review status: criteria provided, single submitter. Criteria: Myriad Autosomal Dominant, Autosomal Recessive and X-Linked Classification Criteria (2023). Collection method: clinical testing. Allele origin: unknown.
Comment: This variant is considered likely pathogenic. This variant creates a frameshift predicted to result in premature protein truncation.